The following is an entry in ClinVar:

NM_012330.4(KAT6B):c.5762del (p.Gly1921fs)

Gene: KAT6B (lysine acetyltransferase 6B; plus strand). Cytogenetic location: 10q22.2.
Variant type: Deletion.
Coding change: c.5762del on transcript NM_012330.4 (MANE Select); coding-DNA position 5762, one base deleted (G; older notation c.5762delG).
Protein change: p.Gly1921fs; shifts the reading frame from glycine 1921.
Molecular consequence: frameshift variant.
Genome position (GRCh38, 1-based): chr10:75,030,586, G deleted; the last of 3 consecutive G bases (chr10:75,030,584-75,030,586); deleting any one gives the same sequence. VCF-style (leftmost placement, unchanged base first): chr10-75030583-AG-A. GRCh37 (hg19) VCF-style: chr10-76790341-AG-A.
Other names: c.5213del, p.Gly1738fs (NM_001256468.2, NM_001370138.1); c.4886del, p.Gly1629fs (NM_001256469.2, NM_001370139.1, NM_001370140.1 and 2 more transcripts); c.4724del, p.Gly1575fs (NM_001370132.1); c.4073del, p.Gly1358fs (NM_001370133.1); c.3677del, p.Gly1226fs (NM_001370134.1); c.3419del, p.Gly1140fs (NM_001370135.1); c.5762del, p.Gly1921fs (NM_001370136.1, NM_001370137.1); c.4697del, p.Gly1566fs (NM_001370143.1, NM_001370144.1); short protein forms G1140fs, G1226fs, G1358fs, G1566fs, G1575fs, G1629fs, G1738fs, G1921fs.
Identifiers: ClinVar variation 3254795 (VCV003254795.2), dbSNP rs2549214778.
Genomic context (GRCh38, chr10:75,030,583, plus strand): 5'-TGGCTGCATCAAATATTGGCATCTCTCACAGCCAAAGACTGCAAACCCAGATTGCCAGCA[AG>A]GGCCACATCTCCATGAGAACCAAGTCAGCGTCTCTGTCACCAGCCGCTGCCACCCATCAG-3'

ClinVar aggregate classification (germline): Pathogenic (1 of 4 stars; one submission).

Conditions:
Blepharophimosis - intellectual disability syndrome, SBBYS type (SBBYSS). Also called: Say-Barber-Biesecker-Young-Simpson variant of Ohdo Syndrome; Say-Barber-Biesecker Variant of Ohdo Syndrome; Say-Barber-Biesecker variant of Ohdo syndrome (SBBYSS); Young Simpson syndrome; Mental retardation unusual facies hypothyroidism; Ohdo syndrome, SBBYS variant. Identifiers: Orphanet 3047, MedGen C1863557, MONDO:0011365, OMIM 603736.

Submission:

Victorian Clinical Genetics Services, Murdoch Childrens Research Institute
Classification: Pathogenic for Blepharophimosis - intellectual disability syndrome, SBBYS type. Last evaluated: 2024-10-10. Review status: criteria provided, single submitter. Criteria: ACMG Guidelines, 2015. Collection method: clinical testing. Allele origin: germline. Inheritance: Autosomal dominant inheritance. Affected: yes.
Comment: Based on the classification scheme VCGS_Germline_v1.3.4, this variant is classified as Pathogenic. Following criteria are met: 0103 - Loss of function and gain of function are proposed mechanisms of disease in this gene and are associated with Say-Barber-Biesecker-Young-Simpson syndrome (SBBYSS; MIM#603736) and genitopatellar syndrome (GPS; MIM#606170), respectively (PMID: 22715153). (I) 0107 - This gene is associated with autosomal dominant disease. GPS is associated with variants in the 5' portion of the final exon, while SBBYSS is associated with variants in the remainder of the gene (PMID: 32424177). (I) 0205 - Variant is predicted to result in a truncated protein (premature termination codon is NOT located at least 54 nucleotides upstream of the final exon-exon junction) with less than 1/3 of the protein sequence affected. (SP) 0251 - This variant is heterozygous. (I) 0301 - Variant is absent from gnomAD (both v2 and v3). (SP) 0604 - Variant is not located in an established domain, motif, hotspot or informative constraint region. (I) 0702 - Other protein truncating variants comparable to the one identified in this case have strong previous evidence for pathogenicity. Three truncating variants located downstream of this variant, have been identified in individuals with SSBYSS syndrome or intellectual disability. In two of these individuals the variant was confirmed de novo, whereas in the third it was maternally inherited (DECIPHER, ClinVar, PMID: 30569622, PMID: 28191890, PMID: 32424177). (SP) 0807 - This variant has no previous evidence of pathogenicity. (I) 0905 - No published segregation evidence has been identified for this variant. (I) 1007 - No published functional evidence has been identified for this variant. (I) 1101 - Very strong and specific phenotype match for this individual. (SP) Legend: (SP) - Supporting pathogenic, (I) - Information, (SB) - Supporting benign

Literature cited by the submitters: PubMed 22715153; PubMed 28191890; PubMed 30569622; PubMed 32424177.